The following is an entry in ClinVar:

NM_006206.6(PDGFRA):c.2152C>G (p.Arg718Gly)

Gene: PDGFRA (platelet derived growth factor receptor alpha; plus strand). Cytogenetic location: 4q12.
Variant type: single nucleotide variant.
Coding change: c.2152C>G on transcript NM_006206.6 (MANE Select); coding-DNA position 2152, C replaced by G.
Protein change: p.Arg718Gly; replaces arginine 718 with glycine.
Molecular consequence: missense variant.
Genome position (GRCh38, 1-based): chr4:54,278,511, C>G. VCF-style: chr4-54278511-C-G. GRCh37 (hg19) VCF-style: chr4-55144678-C-G.
Other names: c.2152C>G, p.Arg718Gly (NM_001347827.2, NM_001347829.2); c.2227C>G, p.Arg743Gly (NM_001347828.2); c.2191C>G, p.Arg731Gly (NM_001347830.2); short protein forms R743G, R718G, R731G.
Identifiers: ClinVar variation 954843 (VCV000954843.10), dbSNP rs375434317, ClinGen allele CA356894162.

ClinVar aggregate classification (germline): Uncertain significance (1 of 4 stars; one submission).

Conditions:
Gastrointestinal stromal tumor. Also called: Gastrointestinal stromal tumor, somatic; Gastrointestinal stroma tumor. Identifiers: Orphanet 44890, MedGen C0238198, MeSH D046152, MONDO:0011719, OMIM 606764, HP:0100723.

gnomAD v4.1: 1 of 1,613,798 alleles (0.000062%); highest among the groups gnomAD compares: Non-Finnish European, 0.000085%; no homozygotes.

Submission:

Labcorp Genetics (formerly Invitae), Labcorp
Classification: Uncertain significance for Gastrointestinal stromal tumor. Last evaluated: 2019-08-19. Review status: criteria provided, single submitter. Criteria: Invitae Variant Classification Sherloc (09022015). Collection method: clinical testing. Allele origin: germline.
Comment: In summary, the available evidence is currently insufficient to determine the role of this variant in disease. Therefore, it has been classified as a Variant of Uncertain Significance. This sequence change replaces arginine with glycine at codon 718 of the PDGFRA protein (p.Arg718Gly). The arginine residue is highly conserved and there is a moderate physicochemical difference between arginine and glycine. This variant is not present in population databases (ExAC no frequency). This variant has not been reported in the literature in individuals with PDGFRA-related conditions. Algorithms developed to predict the effect of missense changes on protein structure and function are either unavailable or do not agree on the potential impact of this missense change (SIFT: "Tolerated"; PolyPhen-2: "Probably Damaging"; Align-GVGD: "Class C15").